The following is an entry in ClinVar:

NM_021930.6(RINT1):c.550G>A (p.Val184Ile)

Gene: RINT1 (RAD50 interactor 1; plus strand). Cytogenetic location: 7q22.3.
Variant type: single nucleotide variant.
Coding change: c.550G>A on transcript NM_021930.6 (MANE Select); coding-DNA position 550, G replaced by A.
Protein change: p.Val184Ile; replaces valine 184 with isoleucine.
Molecular consequence: missense variant. On other transcripts: 5 prime UTR variant (2), non-coding transcript variant (1), intron variant (1).
Genome position (GRCh38, 1-based): chr7:105,546,944, G>A. VCF-style: chr7-105546944-G-A. GRCh37 (hg19) VCF-style: chr7-105187391-G-A.
Other names: c.316G>A, p.Val106Ile (NM_001346599.2); c.-470G>A (NM_001346600.2); c.-373G>A (NM_001346601.2); c.-27-3111G>A (NM_001346603.2); short protein forms V106I, V184I.
Identifiers: ClinVar variation 2447114 (VCV002447114.3), dbSNP rs767256349, ClinGen allele CA4426466.

ClinVar aggregate classification (germline): Uncertain significance (1 of 4 stars; one submission).

Allele frequency attached by ClinVar (database versions not stated): gnomAD exomes below 0.00001; ExAC 0.00001.
gnomAD v4.1: 1 of 1,611,936 alleles (0.000062%); highest among the groups gnomAD compares: South Asian, 0.0011%; no homozygotes.

Submission:

Ambry Genetics
Classification: Uncertain significance. Last evaluated: 2025-03-22. Review status: criteria provided, single submitter. Criteria: Ambry Variant Classification Scheme 2023. Collection method: clinical testing. Allele origin: germline.
Comment: The p.V184I variant (also known as c.550G>A), located in coding exon 5 of the RINT1 gene, results from a G to A substitution at nucleotide position 550. The valine at codon 184 is replaced by isoleucine, an amino acid with highly similar properties. This amino acid position is conserved. In addition, this alteration is predicted to be tolerated by in silico analysis. Since supporting evidence is limited at this time, the clinical significance of this alteration remains unclear.